The following is an entry in ClinVar:

ClinVar aggregate classification (germline): Uncertain significance (1 of 4 stars; one submission).

Allele frequency attached by ClinVar (database versions not stated): TOPMed below 0.00001.
gnomAD v4.1: 1 of 1,603,434 alleles (0.000062%); highest among the groups gnomAD compares: Non-Finnish European, 0.000085%; no homozygotes.

Submission:

Greenwood Genetic Center Diagnostic Laboratories, Greenwood Genetic Center
Classification: Uncertain significance. Last evaluated: 2020-11-20. Review status: criteria provided, single submitter. Criteria: ACMG Guidelines, 2015. Collection method: clinical testing. Allele origin: germline. Affected: yes.
Comment: PP3, PM2

NM_014712.3(SETD1A):c.3667G>A (p.Glu1223Lys)

Gene: SETD1A (SET domain containing 1A, histone lysine methyltransferase; plus strand). Cytogenetic location: 16p11.2.
Variant type: single nucleotide variant.
Coding change: c.3667G>A on transcript NM_014712.3 (MANE Select); coding-DNA position 3667, G replaced by A.
Protein change: p.Glu1223Lys; replaces glutamic acid 1223 with lysine.
Molecular consequence: missense variant.
Genome position (GRCh38, 1-based): chr16:30,979,453, G>A. VCF-style: chr16-30979453-G-A. GRCh37 (hg19) VCF-style: chr16-30990774-G-A.
Other names: short protein forms E1223K.
Identifiers: ClinVar variation 1331520 (VCV001331520.4), dbSNP rs1400755934, ClinGen allele CA395627668.